The following is an entry in ClinVar:

ClinVar aggregate classification (germline): Conflicting classifications of pathogenicity. Review status: criteria provided, conflicting classifications (1 of 4 stars). 4 submissions from 4 submitters: Uncertain significance (2); Likely benign (2). Last evaluated 2025-11-27.

Conditions:
DYNC1H1-related disorder. Also called: DYNC1H1-related condition; DYNC1H1-related disorders. Identifiers: MedGen CN381529.
Charcot-Marie-Tooth disease. Also called: Charcot-Marie-Tooth Neuropathy; Charcot-Marie-Tooth Hereditary Neuropathy. Identifiers: Orphanet 166, MedGen C0007959, MONDO:0015626.
Charcot-Marie-Tooth disease axonal type 2O. Also called: CHARCOT-MARIE-TOOTH NEUROPATHY, AXONAL, TYPE 2O; CHARCOT-MARIE-TOOTH DISEASE, AXONAL, AUTOSOMAL DOMINANT, TYPE 2O; Charcot-Marie-Tooth Neuropathy Type 2O; Charcot-Marie-Tooth disease, axonal, type 20. Identifiers: Orphanet 284232, MedGen C3280220, MONDO:0013644, OMIM 614228.

Allele frequency attached by ClinVar (database versions not stated): gnomAD 0.00001; gnomAD exomes 0.00001 and 0.00002; ExAC 0.00002; TOPMed 0.00003; ESP Exome Variant Server 0.00015.
gnomAD v4.1: 10 of 1,613,992 alleles (0.00062%); highest among the groups gnomAD compares: Non-Finnish European, 0.00085%; no homozygotes.

Submissions (4):

Labcorp Genetics (formerly Invitae), Labcorp
Classification: Likely benign for Charcot-Marie-Tooth disease axonal type 2O. Last evaluated: 2025-11-27. Review status: criteria provided, single submitter. Criteria: Invitae Variant Classification Sherloc (09022015). Collection method: clinical testing. Allele origin: germline.

PreventionGenetics, part of Exact Sciences
Classification: Uncertain significance for DYNC1H1-related condition. Last evaluated: 2023-04-21. Review status: criteria provided, single submitter. Criteria: ACMG Guidelines, 2015. Collection method: clinical testing. Allele origin: germline.
Comment: The DYNC1H1 c.7539G>C variant is predicted to result in the amino acid substitution p.Glu2513Asp. To our knowledge, this variant has not been reported in the literature. This variant is reported in 0.0026% of alleles in individuals of European (Non-Finnish) descent in gnomAD. This variant is classified as likely benign/uncertain in ClinVar. At this time, the clinical significance of this variant is uncertain due to the absence of conclusive functional and genetic evidence.

GeneDx
Classification: Likely benign. Last evaluated: 2021-11-18. Review status: criteria provided, single submitter. Criteria: GeneDx Variant Classification Process June 2021. Collection method: clinical testing. Allele origin: germline. Affected: yes.
Comment: Has not been previously published as pathogenic or benign to our knowledge; In silico analysis supports that this missense variant does not alter protein structure/function

Molecular Genetics Laboratory, London Health Sciences Centre
Classification: Uncertain significance for Charcot-Marie-Tooth disease. Review status: criteria provided, single submitter. Criteria: ACMG Guidelines, 2015. Collection method: clinical testing. Allele origin: germline. Affected: yes.

NM_001376.5(DYNC1H1):c.7539G>C (p.Glu2513Asp)

Gene: DYNC1H1 (dynein cytoplasmic 1 heavy chain 1; plus strand). Cytogenetic location: 14q32.31.
Variant type: single nucleotide variant.
Coding change: c.7539G>C on transcript NM_001376.5 (MANE Select); coding-DNA position 7539, G replaced by C.
Protein change: p.Glu2513Asp; replaces glutamic acid 2513 with aspartic acid.
Molecular consequence: missense variant.
Genome position (GRCh38, 1-based): chr14:102,016,414, G>C. VCF-style: chr14-102016414-G-C. GRCh37 (hg19) VCF-style: chr14-102482751-G-C.
Other names: short protein forms E2513D.
Identifiers: ClinVar variation 220931 (VCV000220931.16), dbSNP rs376901405, ClinGen allele CA349726.